The following is an entry in ClinVar:

ClinVar aggregate classification (germline): Uncertain significance. Review status: criteria provided, multiple submitters, no conflicts (2 of 4 stars). 2 submissions from 2 submitters: Uncertain significance (2). Last evaluated 2024-08-01.

Allele frequency attached by ClinVar (database versions not stated): TOPMed 0.00001.
gnomAD v4.1: 100 of 1,515,916 alleles (0.0066%); highest among the groups gnomAD compares: South Asian, 0.12%; no homozygotes.

Submissions (2):

CeGaT Center for Human Genetics Tuebingen
Classification: Uncertain significance. Last evaluated: 2024-08-01. Review status: criteria provided, single submitter. Criteria: CeGaT Center For Human Genetics Tuebingen Variant Classification Criteria Version 2. Collection method: clinical testing. Allele origin: germline. Affected: yes. Observed: 1 variant allele.
Comment: CACNA1B: PM2, PP3

Labcorp Genetics (formerly Invitae), Labcorp
Classification: Uncertain significance. Last evaluated: 2023-06-18. Review status: criteria provided, single submitter. Criteria: Invitae Variant Classification Sherloc (09022015). Collection method: clinical testing. Allele origin: germline.
Comment: Advanced modeling of protein sequence and biophysical properties (such as structural, functional, and spatial information, amino acid conservation, physicochemical variation, residue mobility, and thermodynamic stability) performed at Invitae indicates that this missense variant is not expected to disrupt CACNA1B protein function. In summary, the available evidence is currently insufficient to determine the role of this variant in disease. Therefore, it has been classified as a Variant of Uncertain Significance. This variant has not been reported in the literature in individuals affected with CACNA1B-related conditions. This variant is present in population databases (rs562435147, gnomAD 0.1%). This sequence change replaces threonine, which is neutral and polar, with isoleucine, which is neutral and non-polar, at codon 2096 of the CACNA1B protein (p.Thr2096Ile).

NM_000718.4(CACNA1B):c.6287C>T (p.Thr2096Ile)

Gene: CACNA1B (calcium voltage-gated channel subunit alpha1 B; plus strand). Cytogenetic location: 9q34.3.
Variant type: single nucleotide variant.
Coding change: c.6287C>T on transcript NM_000718.4 (MANE Select); coding-DNA position 6287, C replaced by T.
Protein change: p.Thr2096Ile; replaces threonine 2096 with isoleucine.
Molecular consequence: missense variant.
Genome position (GRCh38, 1-based): chr9:138,120,679, C>T. VCF-style: chr9-138120679-C-T. GRCh37 (hg19) VCF-style: chr9-141015131-C-T.
Other names: c.6287C>T, p.Thr2096Ile (NM_001243812.2); short protein forms T2096I.
Identifiers: ClinVar variation 2958447 (VCV002958447.18), dbSNP rs562435147, ClinGen allele CA5377676.